The following is an entry in ClinVar:

NM_001201543.2(FAM161A):c.1090A>G (p.Thr364Ala)

Gene: FAM161A (FAM161 centrosomal protein A; minus strand). Cytogenetic location: 2p15.
Variant type: single nucleotide variant.
Coding change: c.1090A>G on transcript NM_001201543.2 (MANE Select); coding-DNA position 1090, A replaced by G.
Protein change: p.Thr364Ala; replaces threonine 364 with alanine.
Molecular consequence: missense variant. On other transcripts: non-coding transcript variant (1).
Genome position (GRCh38, 1-based): chr2:61,839,914, T>C on the plus strand (A>G on the coding strand, the complement: FAM161A is on the minus strand). VCF-style: chr2-61839914-T-C. GRCh37 (hg19) VCF-style: chr2-62067049-T-C.
Other names: c.1090A>G, p.Thr364Ala (NM_032180.3); short protein forms T364A.
Identifiers: ClinVar variation 1498856 (VCV001498856.8), dbSNP rs2105081751, ClinGen allele CA346987461.

ClinVar aggregate classification (germline): Uncertain significance (1 of 4 stars; one submission).

Submission:

Labcorp Genetics (formerly Invitae), Labcorp
Classification: Uncertain significance. Last evaluated: 2021-04-10. Review status: criteria provided, single submitter. Criteria: Invitae Variant Classification Sherloc (09022015). Collection method: clinical testing. Allele origin: germline.
Comment: This sequence change replaces threonine with alanine at codon 364 of the FAM161A protein (p.Thr364Ala). The threonine residue is moderately conserved and there is a small physicochemical difference between threonine and alanine. This variant is not present in population databases (ExAC no frequency). In summary, the available evidence is currently insufficient to determine the role of this variant in disease. Therefore, it has been classified as a Variant of Uncertain Significance. Algorithms developed to predict the effect of missense changes on protein structure and function are either unavailable or do not agree on the potential impact of this missense change (SIFT: "Tolerated"; PolyPhen-2: "Possibly Damaging"; Align-GVGD: "Class C0"). This variant has not been reported in the literature in individuals with FAM161A-related conditions.